The following is an entry in ClinVar:

ClinVar aggregate classification (germline): Uncertain significance (1 of 4 stars; one submission).

Submission:

GeneDx
Classification: Uncertain significance. Last evaluated: 2021-05-19. Review status: criteria provided, single submitter. Criteria: GeneDx Variant Classification Process June 2021. Collection method: clinical testing. Allele origin: germline. Affected: yes.
Comment: Has not been previously published as pathogenic or benign to our knowledge; Not observed in large population cohorts (Lek et al., 2016); In silico analysis supports that this missense variant does not alter protein structure/function

NM_005141.5(FGB):c.478A>G (p.Lys160Glu)

Gene: FGB (fibrinogen beta chain; plus strand). Cytogenetic location: 4q31.3.
Variant type: single nucleotide variant.
Coding change: c.478A>G on transcript NM_005141.5 (MANE Select); coding-DNA position 478, A replaced by G.
Protein change: p.Lys160Glu; replaces lysine 160 with glutamic acid.
Molecular consequence: missense variant.
Genome position (GRCh38, 1-based): chr4:154,566,660, A>G. VCF-style: chr4-154566660-A-G. GRCh37 (hg19) VCF-style: chr4-155487812-A-G.
Other names: c.301A>G, p.Lys101Glu (NM_001184741.1); c.346A>G, p.Lys116Glu (NM_001382759.1); c.478A>G, p.Lys160Glu (NM_001382760.1, NM_001382761.1, NM_001382762.1 and 3 more transcripts); short protein forms K101E, K116E, K160E.
Identifiers: ClinVar variation 1315159 (VCV001315159.2), dbSNP rs1578782707, ClinGen allele CA358510060.